The following is an entry in ClinVar:

NM_003172.4(SURF1):c.167C>G (p.Ala56Gly)

Gene: SURF1 (SURF1 cytochrome c oxidase assembly factor; minus strand). Cytogenetic location: 9q34.2.
Variant type: single nucleotide variant.
Coding change: c.167C>G on transcript NM_003172.4 (MANE Select); coding-DNA position 167, C replaced by G.
Protein change: p.Ala56Gly; replaces alanine 56 with glycine.
Molecular consequence: missense variant. On other transcripts: 5 prime UTR variant (1).
Genome position (GRCh38, 1-based): chr9:133,354,897, G>C on the plus strand (C>G on the coding strand, the complement: SURF1 is on the minus strand). VCF-style: chr9-133354897-G-C. GRCh37 (hg19) VCF-style: chr9-136221752-G-C.
Other names: p.A56G:GCG>GGG; c.-161C>G (NM_001280787.1); short protein forms A56G.
Identifiers: ClinVar variation 139372 (VCV000139372.87), dbSNP rs116779216, ClinGen allele CA293821.

ClinVar aggregate classification (germline): Benign/Likely benign. Review status: criteria provided, multiple submitters, no conflicts (2 of 4 stars). 8 submissions from 8 submitters: Benign (6); Likely benign (2). Last evaluated 2026-09-01.

Conditions:
Leigh syndrome (NULS). Also called: Leigh Syndrome (mtDNA deletion); Leigh's syndrome; Leigh's necrotizing encephalopathy; Leigh's disease; Leigh Disease; Subacute necrotizing encephalopathy. Identifiers: Orphanet 506, MedGen C2931891, MONDO:0009723, OMIM 256000.

Allele frequency attached by ClinVar (database versions not stated): 1000 Genomes Project 0.01018; 1000 Genomes Project 30x 0.01077; gnomAD 0.01234 and 0.01318; ESP Exome Variant Server 0.01261; TOPMed 0.01332.
gnomAD v4.1: 6,959 of 1,613,944 alleles (0.43%); highest among the groups gnomAD compares: African/African-American, 3.5%; 63 homozygotes.

Submissions (8):

CeGaT Center for Human Genetics Tuebingen
Classification: Benign. Last evaluated: 2026-09-01. Review status: criteria provided, single submitter. Criteria: CeGaT Center For Human Genetics Tuebingen Variant Classification Criteria Version 2. Collection method: clinical testing. Allele origin: germline. Affected: yes. Observed: 24 variant alleles.
Comment: SURF1: BP4, BS1, BS2

Labcorp Genetics (formerly Invitae), Labcorp
Classification: Benign for Leigh syndrome. Last evaluated: 2026-02-03. Review status: criteria provided, single submitter. Criteria: Invitae Variant Classification Sherloc (09022015). Collection method: clinical testing. Allele origin: germline.

ARUP Laboratories, Molecular Genetics and Genomics, ARUP Laboratories
Classification: Benign. Last evaluated: 2022-09-13. Review status: criteria provided, single submitter. Criteria: ARUP Molecular Germline Variant Investigation Process 2021. Collection method: clinical testing. Allele origin: germline.

Women's Health and Genetics/Laboratory Corporation of America, LabCorp
Classification: Likely benign. Last evaluated: 2022-02-18. Review status: criteria provided, single submitter. Criteria: LabCorp Variant Classification Summary - May 2015. Collection method: clinical testing. Allele origin: germline.

Mayo Clinic Laboratories, Mayo Clinic
Classification: Benign. Last evaluated: 2021-07-26. Review status: criteria provided, single submitter. Criteria: ACMG Guidelines, 2015. Collection method: clinical testing. Allele origin: germline. Observed: 42 variant alleles.

GeneDx
Classification: Benign. Last evaluated: 2018-12-04. Review status: criteria provided, single submitter. Criteria: GeneDx Variant Classification Process June 2021. Collection method: clinical testing. Allele origin: germline. Affected: yes.
Comment: This variant is associated with the following publications: (PMID: 22488715, 27884173, 16091512)

Center for Pediatric Genomic Medicine, Children's Mercy Hospital and Clinics
Classification: Benign. Last evaluated: 2016-12-30. Review status: criteria provided, single submitter. Criteria: ACMG Guidelines, 2015. Collection method: clinical testing. Allele origin: germline.

Breakthrough Genomics
Classification: Likely benign. Review status: criteria provided, single submitter. Criteria: ACMG Guidelines, 2015. Collection method: not provided. Allele origin: germline. Inheritance: Autosomal recessive inheritance. Affected: yes.